The following is an entry in ClinVar:

NC_012920.1(MT-ATP6):m.8842A>G

Gene: MT-ATP6 (mitochondrially encoded ATP synthase 6; plus strand).
Variant type: single nucleotide variant.
Genome position: chrM-8842-A-G.
Identifiers: ClinVar variation 692999 (VCV000692999.2), dbSNP rs386829052, ClinGen allele CA414798424.

ClinVar aggregate classification (germline): Benign/Likely benign. Review status: criteria provided, multiple submitters, no conflicts (2 of 4 stars). 2 submissions from 2 submitters: Benign (1); Likely benign (1). Last evaluated 2025-02-16.

Conditions:
Leigh syndrome (NULS). Also called: Leigh's necrotizing encephalopathy; Leigh's disease; Leigh Syndrome (mtDNA deletion); Leigh Disease; Subacute necrotizing encephalopathy; Necrotizing encephalopathy infantile subacute of Leigh. Identifiers: Orphanet 506, MedGen C2931891, MONDO:0009723, OMIM 256000.

Submissions (2):

Laboratory of Genetics, Children's Clinical University Hospital Latvia
Classification: Likely benign. Last evaluated: 2025-02-16. Review status: criteria provided, single submitter. Criteria: ACMG Guidelines, 2015. Collection method: clinical testing. Allele origin: germline. Affected: yes.

Wong Mito Lab, Molecular and Human Genetics, Baylor College of Medicine
Classification: Benign for Leigh syndrome. Last evaluated: 2019-10-17. Review status: criteria provided, single submitter. Criteria: Modified ACMG Guidelines (Unpublished). Collection method: clinical testing. Allele origin: germline.
Comment: The NC_012920.1:m.8842A>G (YP_003024031.1:p.Ile106Val) variant in MTATP6 gene is interpretated to be a Benign variant based on the modified ACMG guidelines (unpublished). This variant meets the following evidence codes: BS1, BS2